The following is an entry in ClinVar:

ClinVar aggregate classification (germline): Pathogenic/Likely pathogenic. Review status: criteria provided, multiple submitters, no conflicts (2 of 4 stars). 2 submissions from 2 submitters: Pathogenic (1); Likely pathogenic (1). Last evaluated 2022-09-06.

Conditions:
Greig cephalopolysyndactyly syndrome (GCPS). Also called: Greig syndrome; GLI3-Related Greig Cephalopolysyndactyly Syndrome; POLYSYNDACTYLY WITH PECULIAR SKULL SHAPE. Identifiers: Orphanet 380, MedGen C0265306, MONDO:0008287, OMIM 175700.
Pallister-Hall syndrome (PHS). Also called: GLI3-Related Pallister-Hall Syndrome; HYPOTHALAMIC HAMARTOBLASTOMA, HYPOPITUITARISM, IMPERFORATE ANUS, AND POSTAXIAL POLYDACTYLY. Identifiers: Orphanet 672, MedGen C0265220, MONDO:0007804, OMIM 146510.
GLI3-related disorder. Also called: GLI3-related condition; GLI3-related disorders. Identifiers: MedGen CN239292.

Submissions (2):

Labcorp Genetics (formerly Invitae), Labcorp
Classification: Pathogenic for Pallister-Hall syndrome; Greig cephalopolysyndactyly syndrome. Last evaluated: 2022-09-06. Review status: criteria provided, single submitter. Criteria: Invitae Variant Classification Sherloc (09022015). Collection method: clinical testing. Allele origin: germline.
Comment: This sequence change creates a premature translational stop signal (p.Gln1452*) in the GLI3 gene. While this is not anticipated to result in nonsense mediated decay, it is expected to disrupt the last 129 amino acid(s) of the GLI3 protein. This variant is not present in population databases (gnomAD no frequency). This variant has not been reported in the literature in individuals affected with GLI3-related conditions. This variant disrupts a region of the GLI3 protein in which other variant(s) (p.Gln1503*) have been determined to be pathogenic (PMID: 30235038; Invitae). This suggests that this is a clinically significant region of the protein, and that variants that disrupt it are likely to be disease-causing. For these reasons, this variant has been classified as Pathogenic.

Blueprint Genetics
Classification: Likely pathogenic for GLI3-related disorders. Last evaluated: 2021-08-31. Review status: criteria provided, single submitter. Criteria: ACMG Guidelines, 2015. Collection method: clinical testing. Allele origin: germline. Affected: yes. Observed: 2 variant alleles.

Literature cited by the submitters: PubMed 30235038 (cited by Labcorp Genetics (formerly Invitae), Labcorp).

NM_000168.6(GLI3):c.4354C>T (p.Gln1452Ter)

Gene: GLI3 (GLI family zinc finger 3; minus strand). Cytogenetic location: 7p14.1.
Variant type: single nucleotide variant.
Coding change: c.4354C>T on transcript NM_000168.6 (MANE Select); coding-DNA position 4354, C replaced by T.
Protein change: p.Gln1452Ter; replaces glutamine 1452 with a stop codon.
Molecular consequence: nonsense.
Genome position (GRCh38, 1-based): chr7:41,964,719, G>A on the plus strand (C>T on the coding strand, the complement: GLI3 is on the minus strand). VCF-style: chr7-41964719-G-A. GRCh37 (hg19) VCF-style: chr7-42004317-G-A.
Other names: short protein forms Q1452*.
Identifiers: ClinVar variation 2060428 (VCV002060428.5), dbSNP rs2484364138, ClinGen allele CA367315208.